The following is an entry in ClinVar:

NM_014946.4(SPAST):c.1096G>T (p.Glu366Ter)

Gene: SPAST (spastin; plus strand). Cytogenetic location: 2p22.3.
Variant type: single nucleotide variant.
Coding change: c.1096G>T on transcript NM_014946.4 (MANE Select); coding-DNA position 1096, G replaced by T.
Protein change: p.Glu366Ter; replaces glutamic acid 366 with a stop codon.
Molecular consequence: nonsense.
Genome position (GRCh38, 1-based): chr2:32,116,210, G>T. VCF-style: chr2-32116210-G-T. GRCh37 (hg19) VCF-style: chr2-32341279-G-T.
Other names: c.1093G>T, p.Glu365Ter (NM_001363823.2); c.997G>T, p.Glu333Ter (NM_001363875.2); c.1000G>T, p.Glu334Ter (NM_001377959.1, NM_199436.2); short protein forms E366*, E333*, E334*, E365*.
Identifiers: ClinVar variation 2006505 (VCV002006505.4), dbSNP rs1553315356, ClinGen allele CA346499882.

ClinVar aggregate classification (germline): Pathogenic (1 of 4 stars; one submission).

Conditions:
Hereditary spastic paraplegia 4. Also called: Spastic Paraplegia 4; Spastic paraplegia 4, autosomal dominant; Familial spastic paraplegia autosomal dominant 2. Identifiers: Orphanet 100985, MedGen C1866855, MONDO:0008438, OMIM 182601.

Submission:

Labcorp Genetics (formerly Invitae), Labcorp
Classification: Pathogenic for Hereditary spastic paraplegia 4. Last evaluated: 2022-06-14. Review status: criteria provided, single submitter. Criteria: Invitae Variant Classification Sherloc (09022015). Collection method: clinical testing. Allele origin: germline.
Comment: For these reasons, this variant has been classified as Pathogenic. This variant has not been reported in the literature in individuals affected with SPAST-related conditions. This variant is not present in population databases (gnomAD no frequency). This sequence change creates a premature translational stop signal (p.Glu366*) in the SPAST gene. It is expected to result in an absent or disrupted protein product. Loss-of-function variants in SPAST are known to be pathogenic (PMID: 20932283).

Literature cited by the submitters: PubMed 20932283.